The following is an entry in ClinVar:

NM_020533.3(MCOLN1):c.507C>G (p.Tyr169Ter)

Gene: MCOLN1 (mucolipin TRP cation channel 1; plus strand). Cytogenetic location: 19p13.2.
Variant type: single nucleotide variant.
Coding change: c.507C>G on transcript NM_020533.3 (MANE Select); coding-DNA position 507, C replaced by G.
Protein change: p.Tyr169Ter; replaces tyrosine 169 with a stop codon.
Molecular consequence: nonsense.
Genome position (GRCh38, 1-based): chr19:7,526,862, C>G. VCF-style: chr19-7526862-C-G. GRCh37 (hg19) VCF-style: chr19-7591748-C-G.
Other names: short protein forms Y169*.
Identifiers: ClinVar variation 1460387 (VCV001460387.6), dbSNP rs896210352, ClinGen allele CA403081527.

ClinVar aggregate classification (germline): Pathogenic (1 of 4 stars; one submission).

Conditions:
Mucolipidosis type IV (ML4). Also called: ML IV. Identifiers: Orphanet 578, MedGen C0238286, MONDO:0009653, OMIM 252650.

Submission:

Labcorp Genetics (formerly Invitae), Labcorp
Classification: Pathogenic for Mucolipidosis type IV. Last evaluated: 2021-01-03. Review status: criteria provided, single submitter. Criteria: Invitae Variant Classification Sherloc (09022015). Collection method: clinical testing. Allele origin: germline.
Comment: For these reasons, this variant has been classified as Pathogenic. This variant has not been reported in the literature in individuals with MCOLN1-related conditions. This variant is not present in population databases (ExAC no frequency). This sequence change creates a premature translational stop signal (p.Tyr169*) in the MCOLN1 gene. It is expected to result in an absent or disrupted protein product. Loss-of-function variants in MCOLN1 are known to be pathogenic (PMID: 11030752, 11317355).

Literature cited by the submitters: PubMed 11030752; PubMed 11317355.